The following is an entry in ClinVar:

NM_001003699.4(RREB1):c.-284-2A>G

Gene: RREB1 (ras responsive element binding protein 1; plus strand). Cytogenetic location: 6p24.3.
Variant type: single nucleotide variant.
Coding change: c.-284-2A>G on transcript NM_001003699.4 (MANE Select); the canonical splice acceptor site of the intron before 284 bases upstream of the start codon, A replaced by G.
Molecular consequence: splice acceptor variant.
Genome position (GRCh38, 1-based): chr6:7,176,653, A>G. VCF-style: chr6-7176653-A-G. GRCh37 (hg19) VCF-style: chr6-7176886-A-G.
Other names: c.-284-2A>G (NM_001168344.2, NM_001003700.2, NM_001003698.4).
Identifiers: ClinVar variation 4818908 (VCV004818908.1).
Genomic context (GRCh38, chr6:7,176,653, plus strand): 5'-TGAGCAGAGGACCATTTCTGGTCTTAATCCTCTTTTAACATCACCTTTTCTTATTTTTGT[A>G]GGTTGCTCCGACTGTGTGTTCCAGGAGTGGTGGCTCTGAGGTGTGACCCTGCCCACGTTT-3'

ClinVar aggregate classification (germline): Uncertain significance (1 of 4 stars; one submission).

Submission:

GeneDx
Classification: Uncertain significance. Last evaluated: 2025-09-26. Review status: criteria provided, single submitter. Criteria: GeneDx Variant Classification Process June 2021. Collection method: clinical testing. Allele origin: germline. Affected: yes.
Comment: In silico analysis supports a deleterious effect on splicing; Located in a regulatory region; in the absence of functional studies, the actual effect of this sequence change is unknown; No data available from control populations to assess the frequency of this variant; Has not been previously published as pathogenic or benign to our knowledge